The following is an entry in ClinVar:

NM_020975.6(RET):c.2105A>G (p.Asn702Ser)

Gene: RET (ret proto-oncogene; plus strand). Cytogenetic location: 10q11.21.
Variant type: single nucleotide variant.
Coding change: c.2105A>G on transcript NM_020975.6 (MANE Select); coding-DNA position 2105, A replaced by G.
Protein change: p.Asn702Ser; replaces asparagine 702 with serine.
Molecular consequence: missense variant.
Genome position (GRCh38, 1-based): chr10:43,114,705, A>G. VCF-style: chr10-43114705-A-G. GRCh37 (hg19) VCF-style: chr10-43610153-A-G.
Other names: c.2105A>G, p.Asn702Ser (NM_000323.2, NM_001406743.1, NM_001406744.1 and 4 more transcripts); c.1343A>G, p.Asn448Ser (NM_001355216.2); c.1976A>G, p.Asn659Ser (NM_001406761.1, NM_001406762.1, NM_001406764.1); c.1970A>G, p.Asn657Ser (NM_001406763.1, NM_001406765.1); c.1817A>G, p.Asn606Ser (NM_001406766.1, NM_001406767.1, NM_001406770.1); c.1841A>G, p.Asn614Ser (NM_001406768.1); c.1709A>G, p.Asn570Ser (NM_001406769.1, NM_001406772.1); c.1667A>G, p.Asn556Ser (NM_001406771.1, NM_001406773.1); and 10 more; short protein forms N702S, N448S, N267S, N360S, N372S, N403S, N570S, N527S.
Identifiers: ClinVar variation 838671 (VCV000838671.13), dbSNP rs1838031378, ClinGen allele CA376553322.

ClinVar aggregate classification (germline): Uncertain significance. Review status: criteria provided, multiple submitters, no conflicts (2 of 4 stars). 2 submissions from 2 submitters: Uncertain significance (2). Last evaluated 2022-10-18.

Conditions:
Hereditary cancer-predisposing syndrome. Also called: Neoplastic Syndromes, Hereditary; Tumor predisposition; Hereditary neoplastic syndrome; Hereditary Cancer Syndrome. Identifiers: Orphanet 140162, MedGen C0027672, MeSH D009386, MONDO:0015356.
Multiple endocrine neoplasia, type 2 (MEN2). Identifiers: Orphanet 653, MedGen C4048306, MONDO:0019003. Disease mechanism: gain of function.

Submissions (2):

Ambry Genetics
Classification: Uncertain significance for Hereditary cancer-predisposing syndrome. Last evaluated: 2022-10-18. Review status: criteria provided, single submitter. Criteria: Ambry Variant Classification Scheme 2023. Collection method: clinical testing. Allele origin: germline.
Comment: The p.N702S variant (also known as c.2105A>G), located in coding exon 11 of the RET gene, results from an A to G substitution at nucleotide position 2105. The asparagine at codon 702 is replaced by serine, an amino acid with highly similar properties. This amino acid position is highly conserved in available vertebrate species. In addition, the in silico prediction for this alteration is inconclusive. Since supporting evidence is limited at this time, the clinical significance of this alteration remains unclear.

Labcorp Genetics (formerly Invitae), Labcorp
Classification: Uncertain significance for Multiple endocrine neoplasia, type 2. Last evaluated: 2019-11-27. Review status: criteria provided, single submitter. Criteria: Invitae Variant Classification Sherloc (09022015). Collection method: clinical testing. Allele origin: germline.
Comment: In summary, the available evidence is currently insufficient to determine the role of this variant in disease. Therefore, it has been classified as a Variant of Uncertain Significance. Algorithms developed to predict the effect of missense changes on protein structure and function (SIFT, PolyPhen-2, Align-GVGD) all suggest that this variant is likely to be tolerated, but these predictions have not been confirmed by published functional studies and their clinical significance is uncertain. This variant has not been reported in the literature in individuals with RET-related conditions. This variant is not present in population databases (ExAC no frequency). This sequence change replaces asparagine with serine at codon 702 of the RET protein (p.Asn702Ser). The asparagine residue is moderately conserved and there is a small physicochemical difference between asparagine and serine.